The following is an entry in ClinVar:

ClinVar aggregate classification (germline): Uncertain significance (1 of 4 stars; one submission).

Submission:

Labcorp Genetics (formerly Invitae), Labcorp
Classification: Uncertain significance. Last evaluated: 2025-10-23. Review status: criteria provided, single submitter. Criteria: Invitae Variant Classification Sherloc (09022015). Collection method: clinical testing. Allele origin: germline.
Comment: This sequence change replaces lysine, which is basic and polar, with arginine, which is basic and polar, at codon 1454 of the SAMD9 protein (p.Lys1454Arg). This variant is not present in population databases (gnomAD no frequency). This variant has not been reported in the literature in individuals affected with SAMD9-related conditions. Invitae Evidence Modeling of protein sequence and biophysical properties (such as structural, functional, and spatial information, amino acid conservation, physicochemical variation, residue mobility, and thermodynamic stability) indicates that this missense variant is not expected to disrupt SAMD9 protein function with a negative predictive value of 95%. In summary, the available evidence is currently insufficient to determine the role of this variant in disease. Therefore, it has been classified as a Variant of Uncertain Significance.

NM_017654.4(SAMD9):c.4361A>G (p.Lys1454Arg)

Gene: SAMD9 (sterile alpha motif domain containing 9; minus strand). Cytogenetic location: 7q21.2.
Variant type: single nucleotide variant.
Coding change: c.4361A>G on transcript NM_017654.4 (MANE Select); coding-DNA position 4361, A replaced by G.
Protein change: p.Lys1454Arg; replaces lysine 1454 with arginine.
Molecular consequence: missense variant.
Genome position (GRCh38, 1-based): chr7:93,101,737, T>C on the plus strand (A>G on the coding strand, the complement: SAMD9 is on the minus strand). VCF-style: chr7-93101737-T-C. GRCh37 (hg19) VCF-style: chr7-92731050-T-C.
Other names: c.4361A>G, p.Lys1454Arg (NM_001193307.2); short protein forms K1454R.
Identifiers: ClinVar variation 4802472 (VCV004802472.1).